The following is an entry in ClinVar:

ClinVar aggregate classification (germline): Pathogenic (1 of 4 stars; one submission).

Conditions:
Lissencephaly type 1 due to doublecortin gene mutation. Also called: LISSENCEPHALY AND AGENESIS OF CORPUS CALLOSUM; LISSENCEPHALY, X-LINKED, 1. Identifiers: Orphanet 2148, MedGen C4551968, MONDO:0010239, OMIM 300067.

Submission:

3billion
Classification: Pathogenic for Lissencephaly type 1 due to doublecortin gene mutation. Last evaluated: 2021-10-02. Review status: criteria provided, single submitter. Criteria: ACMG Guidelines, 2015. Collection method: clinical testing. Allele origin: germline. Affected: yes. Observed: 1 heterozygote.
Comment: The missense variant is located in a mutational hot spot and/or well-established functional domain in which established pathogenic variants have been reported (PM1). It is not observed in the gnomAD v2.1.1 dataset (PM2). A different missense change at the same codon (p.Arg102Gly and p.Arg102His) has been reported as pathogenic/likely pathogenic with strong evidence (ClinVar ID: VCV000280251.2 and VCV000082052.8 PM5). The variant was observed as assumed (i.e. paternity and maternity not confirmed) de novoo (3billion dataset, PM6). In silico tool predictions suggest damaging effect of the variant on gene or gene product (REVEL: 0.983, 3Cnet: 0.999, PP3). Therefore, this variant is classified as pathogenic according to the recommendation of ACMG/AMP guideline.

NM_001195553.2(DCX):c.304C>A (p.Arg102Ser)

Gene: DCX (doublecortin; minus strand). Cytogenetic location: Xq23.
Variant type: single nucleotide variant.
Coding change: c.304C>A on transcript NM_001195553.2 (MANE Select); coding-DNA position 304, C replaced by A.
Protein change: p.Arg102Ser; replaces arginine 102 with serine.
Molecular consequence: missense variant.
Genome position (GRCh38, 1-based): chrX:111,410,095, G>T on the plus strand (C>A on the coding strand, the complement: DCX is on the minus strand). VCF-style: chrX-111410095-G-T. GRCh37 (hg19) VCF-style: chrX-110653323-G-T.
Other names: c.547C>A, p.Arg183Ser (NM_000555.3); c.304C>A, p.Arg102Ser (NM_001369370.1, NM_001369371.1, NM_001369372.1 and 5 more transcripts); short protein forms R102S, R183S.
Identifiers: ClinVar variation 1320092 (VCV001320092.1), dbSNP rs587783541, ClinGen allele CA414246685.